The following is an entry in ClinVar:

NM_003283.6(TNNT1):c.81A>T (p.Glu27Asp)

Gene: TNNT1 (troponin T1, slow skeletal type; minus strand). Cytogenetic location: 19q13.42.
Variant type: single nucleotide variant.
Coding change: c.81A>T on transcript NM_003283.6 (MANE Select); coding-DNA position 81, A replaced by T.
Protein change: p.Glu27Asp; replaces glutamic acid 27 with aspartic acid.
Molecular consequence: missense variant. On other transcripts: intron variant (2).
Genome position (GRCh38, 1-based): chr19:55,146,459, T>A on the plus strand (A>T on the coding strand, the complement: TNNT1 is on the minus strand). VCF-style: chr19-55146459-T-A. GRCh37 (hg19) VCF-style: chr19-55657827-T-A.
Other names: c.81A>T, p.Glu27Asp (NM_001126132.3); c.73+222A>T (NM_001126133.3, NM_001291774.2); short protein forms E27D.
Identifiers: ClinVar variation 1439992 (VCV001439992.8), dbSNP rs1267757904, ClinGen allele CA407438329.
Genomic context (GRCh38, chr19:55,146,459, plus strand): 5'-ACATCGGTCTCGGGAAGCGAAGCAGCCGCGGTTACCTGGCTCTGCCACCGGCTCCGGCTC[T>A]TCGGGGGCTGGGGAGGGGAGGGAGGAGCAGCGAGGGTTTGGGGAGCGAGGGGGGAGCGGC-3'
Protein context (NP_003274.3, residues 17-37): EAAEEEEEAP[Glu27Asp]EPEPVAEPEE

ClinVar aggregate classification (germline): Uncertain significance (1 of 4 stars; one submission).

Conditions:
Nemaline myopathy 5 (NEM5A). Also called: Nemaline myopathy 5, Amish type; NEMALINE MYOPATHY, AMISH TYPE; NEMALINE MYOPATHY 5A, AUTOSOMAL RECESSIVE, SEVERE INFANTILE. Identifiers: Orphanet 98902, MedGen C1854380, MONDO:0011539, OMIM 605355.

Submission:

Labcorp Genetics (formerly Invitae), Labcorp
Classification: Uncertain significance for Nemaline myopathy 5. Last evaluated: 2023-11-27. Review status: criteria provided, single submitter. Criteria: Invitae Variant Classification Sherloc (09022015). Collection method: clinical testing. Allele origin: germline.
Comment: This sequence change replaces glutamic acid, which is acidic and polar, with aspartic acid, which is acidic and polar, at codon 27 of the TNNT1 protein (p.Glu27Asp). This variant is not present in population databases (gnomAD no frequency). This variant has not been reported in the literature in individuals affected with TNNT1-related conditions. ClinVar contains an entry for this variant (Variation ID: 1439992). Experimental studies and prediction algorithms are not available or were not evaluated, and the functional significance of this variant is currently unknown. In summary, the available evidence is currently insufficient to determine the role of this variant in disease. Therefore, it has been classified as a Variant of Uncertain Significance.